The following is an entry in ClinVar:

NM_000393.5(COL5A2):c.2401G>T (p.Gly801Cys)

Gene: COL5A2 (collagen type V alpha 2 chain; minus strand). Cytogenetic location: 2q32.2.
Variant type: single nucleotide variant.
Coding change: c.2401G>T on transcript NM_000393.5 (MANE Select); coding-DNA position 2401, G replaced by T.
Protein change: p.Gly801Cys; replaces glycine 801 with cysteine.
Molecular consequence: missense variant.
Genome position (GRCh38, 1-based): chr2:189,054,203, C>A on the plus strand (G>T on the coding strand, the complement: COL5A2 is on the minus strand). VCF-style: chr2-189054203-C-A. GRCh37 (hg19) VCF-style: chr2-189918929-C-A.
Other names: short protein forms G801C.
Identifiers: ClinVar variation 4529517 (VCV004529517.1).

ClinVar aggregate classification (germline): Uncertain significance (1 of 4 stars; one submission).

gnomAD v4.1: 1 of 1,613,790 alleles (0.000062%); highest among the groups gnomAD compares: Non-Finnish European, 0.000085%; no homozygotes.

Submission:

GeneDx
Classification: Uncertain significance. Last evaluated: 2025-05-14. Review status: criteria provided, single submitter. Criteria: GeneDx Variant Classification Process June 2021. Collection method: clinical testing. Allele origin: germline. Affected: yes.
Comment: Not observed at significant frequency in large population cohorts (gnomAD); In silico analysis supports that this missense variant has a deleterious effect on protein structure/function; Has not been previously published as pathogenic or benign to our knowledge; In silico analysis suggests this variant may impact gene splicing. In the absence of RNA/functional studies, the actual effect of this sequence change is unknown.; This variant is associated with the following publications: (PMID: 22696272)